The following is an entry in ClinVar:

NM_001164508.2(NEB):c.18694-7del

Gene: NEB (nebulin; minus strand). Cytogenetic location: 2q23.3.
Variant type: Deletion.
Coding change: c.18694-7del on transcript NM_001164508.2 (MANE Select); 7 bases into the intron before coding-DNA position 18694, one base deleted (A; older notation c.18694-7delA).
Molecular consequence: intron variant.
Genome position (GRCh38, 1-based): chr2:151,562,815, T deleted on the plus strand (A on the coding strand, the reverse complement: NEB is on the minus strand). VCF-style (leftmost placement, unchanged base first): chr2-151562814-AT-A. GRCh37 (hg19) VCF-style: chr2-152419328-AT-A.
Other names: c.13591-7del (NM_004543.5); c.18694-7del (NM_001164507.2, NM_001271208.2); c.18694-7delA (NM_001271208.1).
Identifiers: ClinVar variation 1097017 (VCV001097017.12), dbSNP rs763587657, ClinGen allele CA1907870.

ClinVar aggregate classification (germline): Conflicting classifications of pathogenicity. Review status: criteria provided, conflicting classifications (1 of 4 stars). 3 submissions from 3 submitters: Uncertain significance (1); Likely benign (1). 1 of the submissions does not count toward it. Last evaluated 2026-03-04.

Conditions:
NEB-related disorder. Also called: NEB-related condition; NEB-Related Disorders.
Nemaline myopathy 2 (NEM2). Also called: Nemaline myopathy 2, autosomal recessive. Identifiers: MedGen C1850569, MONDO:0009725, OMIM 256030.

Allele frequency attached by ClinVar (database versions not stated): TOPMed 0.00001; gnomAD 0.00003 and 0.00002; 1000 Genomes Project 30x 0.00016; ExAC 0.00003; gnomAD exomes 0.00001 and 0.00003.

Submissions (3):

GeneDx
Classification: Uncertain significance. Last evaluated: 2026-03-04. Review status: criteria provided, single submitter. Criteria: GeneDx Variant Classification Process June 2021. Collection method: clinical testing. Allele origin: germline.
Comment: Not observed at significant frequency in large population cohorts (gnomAD); Has not been previously published as pathogenic or benign to our knowledge; In silico analysis is inconclusive as to whether the variant alters gene splicing. In the absence of RNA/functional studies, the actual effect of this sequence change is unknown.

Labcorp Genetics (formerly Invitae), Labcorp
Classification: Likely benign for Nemaline myopathy 2. Last evaluated: 2023-08-10. Review status: criteria provided, single submitter. Criteria: Invitae Variant Classification Sherloc (09022015). Collection method: clinical testing. Allele origin: germline.

PreventionGenetics, part of Exact Sciences
Classification: Likely benign for NEB-related condition. Last evaluated: 2019-05-08. Review status: no assertion criteria provided. Collection method: clinical testing. Allele origin: germline. Not counted in ClinVar's aggregate classification.
Comment: This variant is classified as likely benign based on ACMG/AMP sequence variant interpretation guidelines (Richards et al. 2015 PMID: 25741868, with internal and published modifications).